The following is an entry in ClinVar:

ClinVar aggregate classification (germline): Uncertain significance (1 of 4 stars; one submission).

Conditions:
MYO5B-related disorder. Also called: MYO5B-related condition.

gnomAD v4.1: 2 of 1,611,940 alleles (0.00012%); highest among the groups gnomAD compares: African/African-American, 0.0027%; no homozygotes.

Submission:

PreventionGenetics, part of Exact Sciences
Classification: Uncertain significance for MYO5B-related condition. Last evaluated: 2026-03-26. Review status: criteria provided, single submitter. Criteria: ACMG Guidelines, 2015. Collection method: clinical testing. Allele origin: germline.
Comment: The MYO5B c.4023G>T variant is predicted to result in the amino acid substitution p.Arg1341Ser. To our knowledge, this variant has not been reported in the literature. This variant is reported in 0.011% of alleles in individuals of African descent in gnomAD. At this time, the clinical significance of this variant is uncertain due to the absence of conclusive functional and genetic evidence.

NM_001080467.3(MYO5B):c.4023G>T (p.Arg1341Ser)

Gene: MYO5B (myosin VB; minus strand). Cytogenetic location: 18q21.1.
Variant type: single nucleotide variant.
Coding change: c.4023G>T on transcript NM_001080467.3 (MANE Select); coding-DNA position 4023, G replaced by T.
Protein change: p.Arg1341Ser; replaces arginine 1341 with serine.
Molecular consequence: missense variant.
Genome position (GRCh38, 1-based): chr18:49,853,647, C>A on the plus strand (G>T on the coding strand, the complement: MYO5B is on the minus strand). VCF-style: chr18-49853647-C-A. GRCh37 (hg19) VCF-style: chr18-47380017-C-A.
Other names: short protein forms R1341S.
Identifiers: ClinVar variation 4991316 (VCV004991316.1).